The following is an entry in ClinVar:

NM_001323289.2(CDKL5):c.1613C>A (p.Thr538Lys)

Gene: CDKL5 (cyclin dependent kinase like 5; plus strand). Cytogenetic location: Xp22.13.
Variant type: single nucleotide variant.
Coding change: c.1613C>A on transcript NM_001323289.2 (MANE Select); coding-DNA position 1613, C replaced by A.
Protein change: p.Thr538Lys; replaces threonine 538 with lysine.
Molecular consequence: missense variant.
Genome position (GRCh38, 1-based): chrX:18,604,537, C>A. VCF-style: chrX-18604537-C-A. GRCh37 (hg19) VCF-style: chrX-18622657-C-A.
Other names: c.1613C>A, p.Thr538Lys (NM_001037343.2, NM_003159.3); short protein forms T538K.
Identifiers: ClinVar variation 2953048 (VCV002953048.3), dbSNP rs1413837885, ClinGen allele CA412361960.

ClinVar aggregate classification (germline): Uncertain significance (1 of 4 stars; one submission).

Conditions:
Developmental and epileptic encephalopathy, 2 (DEE2). Also called: INFANTILE SPASM SYNDROME, X-LINKED 2; CDKL5 deficiency disorder. Identifiers: Orphanet 1934, Orphanet 3451, Orphanet 505652, MedGen C4750718, MONDO:0010396, OMIM 300672.
Angelman syndrome-like. Identifiers: MedGen CN128785.

Submission:

Labcorp Genetics (formerly Invitae), Labcorp
Classification: Uncertain significance for Developmental and epileptic encephalopathy, 2; Angelman syndrome-like. Last evaluated: 2024-01-03. Review status: criteria provided, single submitter. Criteria: Invitae Variant Classification Sherloc (09022015). Collection method: clinical testing. Allele origin: germline.
Comment: This sequence change replaces threonine, which is neutral and polar, with lysine, which is basic and polar, at codon 538 of the CDKL5 protein (p.Thr538Lys). This variant is not present in population databases (gnomAD no frequency). This variant has not been reported in the literature in individuals affected with CDKL5-related conditions. Advanced modeling of protein sequence and biophysical properties (such as structural, functional, and spatial information, amino acid conservation, physicochemical variation, residue mobility, and thermodynamic stability) performed at Invitae indicates that this missense variant is not expected to disrupt CDKL5 protein function with a negative predictive value of 95%. In summary, the available evidence is currently insufficient to determine the role of this variant in disease. Therefore, it has been classified as a Variant of Uncertain Significance.